The following is an entry in ClinVar:

ClinVar aggregate classification (germline): Uncertain significance (1 of 4 stars; one submission).

Conditions:
TH-deficient dopa-responsive dystonia. Also called: Tyrosine Hydroxylase-Deficient Dopa-Responsive Dystonia; Segawa syndrome, autosomal recessive; DYT-TH. Identifiers: Orphanet 101150, MedGen C2673535, MONDO:0011551, OMIM 605407.

Submission:

Labcorp Genetics (formerly Invitae), Labcorp
Classification: Uncertain significance for TH-deficient dopa-responsive dystonia. Last evaluated: 2022-07-13. Review status: criteria provided, single submitter. Criteria: Invitae Variant Classification Sherloc (09022015). Collection method: clinical testing. Allele origin: germline.
Comment: This sequence change replaces proline, which is neutral and non-polar, with leucine, which is neutral and non-polar, at codon 39 of the TH protein (p.Pro39Leu). This variant is not present in population databases (gnomAD no frequency). This variant has not been reported in the literature in individuals affected with TH-related conditions. Advanced modeling of protein sequence and biophysical properties (such as structural, functional, and spatial information, amino acid conservation, physicochemical variation, residue mobility, and thermodynamic stability) performed at Invitae indicates that this missense variant is not expected to disrupt TH protein function. In summary, the available evidence is currently insufficient to determine the role of this variant in disease. Therefore, it has been classified as a Variant of Uncertain Significance.

NM_000360.4(TH):c.91-886C>T

Gene: TH (tyrosine hydroxylase; minus strand). Cytogenetic location: 11p15.5.
Variant type: single nucleotide variant.
Coding change: c.91-886C>T on transcript NM_000360.4 (MANE Select); 886 bases into the intron before coding-DNA position 91, C replaced by T.
Molecular consequence: intron variant. On other transcripts: missense variant (2).
Genome position (GRCh38, 1-based): chr11:2,170,757, G>A on the plus strand (C>T on the coding strand, the complement: TH is on the minus strand). VCF-style: chr11-2170757-G-A. GRCh37 (hg19) VCF-style: chr11-2191987-G-A.
Other names: c.116C>T, p.Pro39Leu (NM_199292.3); c.104C>T, p.Pro35Leu (NM_199293.3); short protein forms P39L, P35L.
Identifiers: ClinVar variation 2178405 (VCV002178405.1), dbSNP rs2495836664, ClinGen allele CA379112695.
Genomic context (GRCh38, chr11:2,170,757, plus strand): 5'-GTGGGGGTGTAGGATGCAGCTGGGGCTGCAGTTCCAGGCCACGGAGAGCCTGTGAGGCTG[G>A]GCCCCGGGGCGCCCTGGGGAGGGGATGCCTGATGGGGAGCCTGGTGGGGGAGGGTAGGGG-3'